The following is an entry in ClinVar:

ClinVar aggregate classification (germline): Uncertain significance (1 of 4 stars; one submission).

Conditions:
Inborn genetic diseases. Identifiers: MedGen C0950123, MeSH D030342.

Submission:

Ambry Genetics
Classification: Uncertain significance for Inborn genetic diseases. Last evaluated: 2021-12-10. Review status: criteria provided, single submitter. Criteria: Ambry Variant Classification Scheme 2023. Collection method: clinical testing. Allele origin: germline.
Comment: The p.K74N variant (also known as c.222A>C), located in coding exon 2 of the MDH2 gene, results from an A to C substitution at nucleotide position 222. The lysine at codon 74 is replaced by asparagine, an amino acid with similar properties. This amino acid position is conserved. In addition, this alteration is predicted to be tolerated by in silico analysis. Since supporting evidence is limited at this time, the clinical significance of this alteration remains unclear.

NM_005918.4(MDH2):c.222A>C (p.Lys74Asn)

Gene: MDH2 (malate dehydrogenase 2; plus strand). Cytogenetic location: 7q11.23.
Variant type: single nucleotide variant.
Coding change: c.222A>C on transcript NM_005918.4 (MANE Select); coding-DNA position 222, A replaced by C.
Protein change: p.Lys74Asn; replaces lysine 74 with asparagine.
Molecular consequence: missense variant. On other transcripts: intron variant (1).
Genome position (GRCh38, 1-based): chr7:76,054,985, A>C. VCF-style: chr7-76054985-A-C. GRCh37 (hg19) VCF-style: chr7-75684303-A-C.
Other names: c.222A>C, p.Lys74Asn (NM_001282403.2); c.-86-2425A>C (NM_001282404.2); short protein forms K74N.
Identifiers: ClinVar variation 1788052 (VCV001788052.2), dbSNP rs769743658, ClinGen allele CA367762698.